The following is an entry in ClinVar:

NM_015295.3(SMCHD1):c.4825C>A (p.Leu1609Ile)

Gene: SMCHD1 (structural maintenance of chromosomes flexible hinge domain containing 1; plus strand). Cytogenetic location: 18p11.32.
Variant type: single nucleotide variant.
Coding change: c.4825C>A on transcript NM_015295.3 (MANE Select); coding-DNA position 4825, C replaced by A.
Protein change: p.Leu1609Ile; replaces leucine 1609 with isoleucine.
Molecular consequence: missense variant.
Genome position (GRCh38, 1-based): chr18:2,769,799, C>A. VCF-style: chr18-2769799-C-A. GRCh37 (hg19) VCF-style: chr18-2769797-C-A.
Other names: short protein forms L1609I.
Identifiers: ClinVar variation 1354866 (VCV001354866.6), dbSNP rs2075943009, ClinGen allele CA401681863.

ClinVar aggregate classification (germline): Uncertain significance (1 of 4 stars; one submission).

Conditions:
Facioscapulohumeral muscular dystrophy 2 (FSHD2). Also called: MUSCULAR DYSTROPHY, FACIOSCAPULOHUMERAL, TYPE 1B; FACIOSCAPULOHUMERAL MUSCULAR DYSTROPHY 2, DIGENIC; FSHD2, DIGENIC. Identifiers: Orphanet 269, MedGen C1834671, MONDO:0008031, OMIM 158901.

Submission:

Labcorp Genetics (formerly Invitae), Labcorp
Classification: Uncertain significance for Facioscapulohumeral muscular dystrophy 2. Last evaluated: 2021-12-03. Review status: criteria provided, single submitter. Criteria: Invitae Variant Classification Sherloc (09022015). Collection method: clinical testing. Allele origin: germline.
Comment: This sequence change replaces leucine, which is neutral and non-polar, with isoleucine, which is neutral and non-polar, at codon 1609 of the SMCHD1 protein (p.Leu1609Ile). This variant is not present in population databases (gnomAD no frequency). This variant has not been reported in the literature in individuals affected with SMCHD1-related conditions. Algorithms developed to predict the effect of missense changes on protein structure and function are either unavailable or do not agree on the potential impact of this missense change (SIFT: "Deleterious"; PolyPhen-2: "Probably Damaging"; Align-GVGD: "Class C0"). In summary, the available evidence is currently insufficient to determine the role of this variant in disease. Therefore, it has been classified as a Variant of Uncertain Significance.